The following is an entry in ClinVar:

NM_000179.3(MSH6):c.2371_2372insAGAC (p.Arg791fs)

Gene: MSH6 (mutS homolog 6; plus strand). Cytogenetic location: 2p16.3.
Variant type: Insertion.
Coding change: c.2371_2372insAGAC on transcript NM_000179.3 (MANE Select); coding-DNA positions 2371 to 2372, AGAC inserted.
Protein change: p.Arg791fs; shifts the reading frame from arginine 791.
Molecular consequence: frameshift variant.
Genome position: GRCh38 VCF-style: chr2-47800353-T-TCAGA. GRCh37 (hg19) VCF-style: chr2-48027492-T-TCAGA.
Other names: c.1981_1982insAGAC, p.Arg661fs (NM_001281492.2); c.1465_1466insAGAC, p.Arg489fs (NM_001281493.2, NM_001281494.2); short protein forms R489fs, R661fs, R791fs.
Identifiers: ClinVar variation 455191 (VCV000455191.7), dbSNP rs1553413732, ClinGen allele CA658655813.

ClinVar aggregate classification (germline): Pathogenic (1 of 4 stars; one submission).

Conditions:
Hereditary nonpolyposis colorectal neoplasms. Identifiers: MedGen C0009405, MeSH D003123.

Submission:

Labcorp Genetics (formerly Invitae), Labcorp
Classification: Pathogenic for Hereditary nonpolyposis colorectal neoplasms. Last evaluated: 2017-03-13. Review status: criteria provided, single submitter. Criteria: Invitae Variant Classification Sherloc (09022015). Collection method: clinical testing. Allele origin: germline.
Comment: For these reasons, this variant has been classified as Pathogenic. While this particular variant has not been reported in the literature, loss-of-function variants in MSH6 are known to be pathogenic (PMID: 24362816, 18269114). This sequence change inserts 4 nucleotides in exon 4 of the MSH6 mRNA (c.2371_2372insAGAC), causing a frameshift at codon 791. This creates a premature translational stop signal (p.Arg791Glnfs*14) and is expected to result in an absent or disrupted protein product.

Literature cited by the submitters: PubMed 24362816; PubMed 18269114.